The following is an entry in ClinVar:

NM_004722.4(AP4M1):c.1138-1G>A

Gene: AP4M1 (adaptor related protein complex 4 subunit mu 1; plus strand). Cytogenetic location: 7q22.1.
Variant type: single nucleotide variant.
Coding change: c.1138-1G>A on transcript NM_004722.4 (MANE Select); the canonical splice acceptor site of the intron before coding-DNA position 1138, G replaced by A.
Molecular consequence: splice acceptor variant.
Genome position (GRCh38, 1-based): chr7:100,106,657, G>A. VCF-style: chr7-100106657-G-A. GRCh37 (hg19) VCF-style: chr7-99704280-G-A.
Other names: c.1159-1G>A (NM_001363671.2).
Identifiers: ClinVar variation 2431426 (VCV002431426.1), dbSNP rs2546963463, ClinGen allele CA368476095.

ClinVar aggregate classification (germline): Likely pathogenic (1 of 4 stars; one submission).

Conditions:
Hereditary spastic paraplegia 50 (SPG50). Also called: Spastic paraplegia 50, autosomal recessive. Identifiers: Orphanet 280763, MedGen C2752008, MONDO:0013048, OMIM 612936.

Allele frequency attached by ClinVar (database versions not stated): gnomAD exomes below 0.00001.
gnomAD v4.1: 1 of 1,505,076 alleles (0.000066%); highest among the groups gnomAD compares: Non-Finnish European, 0.00009%; no homozygotes.

Submission:

Laboratorio de Genetica e Diagnostico Molecular, Hospital Israelita Albert Einstein
Classification: Likely pathogenic for Hereditary spastic paraplegia 50. Last evaluated: 2022-10-14. Review status: criteria provided, single submitter. Criteria: ACMG Guidelines, 2015. Collection method: clinical testing. Allele origin: germline. Affected: yes. Observed: 1 variant allele.
Comment: ACMG classification criteria: PVS1 strong, PM2 moderated